The following is an entry in ClinVar:

NM_003179.3(SYP):c.251C>G (p.Ala84Gly)

Gene: SYP (synaptophysin; minus strand). Cytogenetic location: Xp11.23.
Variant type: single nucleotide variant.
Coding change: c.251C>G on transcript NM_003179.3 (MANE Select); coding-DNA position 251, C replaced by G.
Protein change: p.Ala84Gly; replaces alanine 84 with glycine.
Molecular consequence: missense variant.
Genome position (GRCh38, 1-based): chrX:49,194,338, G>C on the plus strand (C>G on the coding strand, the complement: SYP is on the minus strand). VCF-style: chrX-49194338-G-C. GRCh37 (hg19) VCF-style: chrX-49050795-G-C.
Other names: short protein forms A84G.
Identifiers: ClinVar variation 2581831 (VCV002581831.1), dbSNP rs782025908, ClinGen allele CA10409806.

ClinVar aggregate classification (germline): Uncertain significance (1 of 4 stars; one submission).

Allele frequency attached by ClinVar (database versions not stated): ExAC 0.00001.

Submission:

GeneDx
Classification: Uncertain significance. Last evaluated: 2023-03-29. Review status: criteria provided, single submitter. Criteria: GeneDx Variant Classification Process June 2021. Collection method: clinical testing. Allele origin: germline. Affected: yes.
Comment: Observed in the hemizygous state in a patient with autism; however, this patient was also hemizygous for a variant in another gene which may contribute to the phenotype (Tran et al., 2020); Not observed at significant frequency in large population cohorts (gnomAD); In silico analysis supports that this missense variant has a deleterious effect on protein structure/function; This variant is associated with the following publications: (PMID: 32902182, 32193494, 36466804)